The following is an entry in ClinVar:

ClinVar aggregate classification (germline): Pathogenic (1 of 4 stars; one submission).

Conditions:
Ellis-van Creveld syndrome (EVC). Also called: EVC-Related Ellis-van Creveld Syndrome; EVC2-Related Ellis-van Creveld Syndrome; MESOECTODERMAL DYSPLASIA; Chondroectodermal dysplasia. Identifiers: Orphanet 289, MedGen C0013903, MONDO:0009162, OMIM 225500.
Curry-Hall syndrome (WAD). Also called: WEYERS ACRODENTAL DYSOSTOSIS. Identifiers: Orphanet 952, MedGen C0457013, MONDO:0008673, OMIM 193530.

Submission:

Labcorp Genetics (formerly Invitae), Labcorp
Classification: Pathogenic for Curry-Hall syndrome; Ellis-van Creveld syndrome. Last evaluated: 2023-08-30. Review status: criteria provided, single submitter. Criteria: Invitae Variant Classification Sherloc (09022015). Collection method: clinical testing. Allele origin: germline.
Comment: For these reasons, this variant has been classified as Pathogenic. This variant has not been reported in the literature in individuals affected with EVC2-related conditions. This variant is not present in population databases (gnomAD no frequency). This sequence change creates a premature translational stop signal (p.Ile569Asnfs*5) in the EVC2 gene. It is expected to result in an absent or disrupted protein product. Loss-of-function variants in EVC2 are known to be pathogenic (PMID: 17024374, 19810119, 19876929).

Literature cited by the submitters: PubMed 17024374; PubMed 19810119; PubMed 19876929.

NM_147127.5(EVC2):c.1706del (p.Ile569fs)

Gene: EVC2 (EvC ciliary complex subunit 2; minus strand). Cytogenetic location: 4p16.2.
Variant type: Deletion.
Coding change: c.1706del on transcript NM_147127.5 (MANE Select); coding-DNA position 1706, one base deleted (T; older notation c.1706delT).
Protein change: p.Ile569fs; shifts the reading frame from isoleucine 569.
Molecular consequence: frameshift variant.
Genome position (GRCh38, 1-based): chr4:5,631,797, A deleted on the plus strand (T on the coding strand, the reverse complement: EVC2 is on the minus strand). VCF-style (leftmost placement, unchanged base first): chr4-5631796-TA-T. GRCh37 (hg19) VCF-style: chr4-5633523-TA-T.
Other names: c.1466del, p.Ile489fs (NM_001166136.2); short protein forms I489fs, I569fs.
Identifiers: ClinVar variation 2951427 (VCV002951427.3), dbSNP rs2475406381, ClinGen allele CA2740091128.